The following is an entry in ClinVar:

NM_206933.4(USH2A):c.2276G>T (p.Cys759Phe)

Gene: USH2A (usherin; minus strand). Cytogenetic location: 1q41.
Variant type: single nucleotide variant.
Coding change: c.2276G>T on transcript NM_206933.4 (MANE Select); coding-DNA position 2276, G replaced by T.
Protein change: p.Cys759Phe; replaces cysteine 759 with phenylalanine.
Molecular consequence: missense variant.
Genome position (GRCh38, 1-based): chr1:216,247,118, C>A on the plus strand (G>T on the coding strand, the complement: USH2A is on the minus strand). VCF-style: chr1-216247118-C-A. GRCh37 (hg19) VCF-style: chr1-216420460-C-A.
Other names: USH2A, CYS759PHE (rs80338902); NP_996816.3:p.(Cys759Phe); c.2276G>T, p.Cys759Phe (NM_007123.6); c.2276G>T (NM_206933.3); short protein forms C759F.
Identifiers: ClinVar variation 2356 (VCV000002356.142), dbSNP rs80338902, ClinGen allele CA252233.

ClinVar aggregate classification (germline): Pathogenic. Review status: reviewed by expert panel (3 of 4 stars). 61 submissions from 55 submitters: Pathogenic (1). 60 of the submissions do not count toward it. Last evaluated 2019-07-28.

Conditions:
Monogenic hearing loss.
Usher syndrome. Also called: Usher Syndromes; Usher's syndrome. Identifiers: Orphanet 886, MedGen CN469326, MeSH D052245, MONDO:0019501. Disease mechanism: loss of function.
USH2A-related disorder. Also called: USH2A-related disorders; USH2A-related condition. Identifiers: MedGen CN239332.
Prelingual sensorineural hearing impairment. Identifiers: MedGen C4021806, HP:0000399.
Inborn genetic diseases. Identifiers: MedGen C0950123, MeSH D030342.
Retinal dystrophy. Also called: Inherited retinal dystrophy. Identifiers: Orphanet 71862, MedGen C0854723, MeSH D058499, MONDO:0019118, HP:0000556.
Retinitis pigmentosa 39 (RP39). Identifiers: Orphanet 791, MedGen C3151138, MONDO:0013436, OMIM 613809.
Usher syndrome type 2A. Also called: USHER SYNDROME, TYPE IIA; RETINAL DISEASE IN USHER SYNDROME TYPE IIA, MODIFIER OF. Identifiers: Orphanet 231178, Orphanet 886, MedGen C1848634, MONDO:0010169, OMIM 276901.
Retinitis pigmentosa (RP). Identifiers: Orphanet 791, MedGen C0035334, MeSH D012174, MONDO:0019200, OMIM 268000. Inheritance: Autosomal dominant, autosomal recessive and X linked inheritance.
Autosomal recessive retinitis pigmentosa. Identifiers: MedGen C0339526.
Retinal disorder. Also called: Retinal disorders; Retinopathies; Retinal Diseases; Retinopathy. Identifiers: MedGen C0035309, MONDO:0005283, HP:0000488.
Ear malformation. Also called: CUP EAR; Abnormality of the ear. Identifiers: MedGen C0266589, MONDO:0007500, OMIM 128600, HP:0000598.

Allele frequency attached by ClinVar (database versions not stated): gnomAD 0.00131 and 0.00137; gnomAD exomes 0.00147 and 0.00097; ExAC 0.00078; 1000 Genomes Project 0.00020; 1000 Genomes Project 30x 0.00047; TOPMed 0.00149.
gnomAD v4.1: 2,357 of 1,614,038 alleles (0.15%); highest among the groups gnomAD compares: Admixed American, 0.21%; 5 homozygotes.

Submissions 1 to 6 of 61:

ClinGen Hearing Loss Variant Curation Expert Panel
Classification: Pathogenic for Usher syndrome. Last evaluated: 2019-07-28. Review status: reviewed by expert panel. Criteria: ClinGen HL ACMG Specifications v1. Collection method: curation. Allele origin: germline. Inheritance: Autosomal recessive inheritance.
Comment: The p.Cys759Phe variant in USH2A has been reported in 10 individuals with a clinical diagnosis of Usher Syndrome type II who were all confirmed compound heterozygous with a second pathogenic variant on the remaining allele (PMIDs: 16098008, 24944099, 29912909) (PM3_Strong). Note that scoring for PM3 was downgraded from PM3_VeryStrong to PM3_Strong since this variant has an allele frequency that meets criteria for BS1 (see below). Co-segregation with Usher II was demonstrated collectively in 2 affected and 13 unaffected siblings (LOD score: 2.23). When including all families affected with Usher II or an atypical Usher presentation (retinitis pigmentosa (RP) with some form of hearing loss), co-segregation can be identified in three affected and 26 unaffected siblings total (LOD score: 4.45) (PMID: 29912909) (PP1_Strong). When considering those patients who present with isolated RP, the variant segregated in an additional 15 affected and 32 unaffected siblings (LOD score: 12.43) (PMIDs:10775529, 12525556, 21151602, 29912909). The filtering allele frequency (the lower threshold of the 95% CI of 72/35410) of the p.Cys759Phe variant in the Latino population in gnomAD is 0.17% and it has also been observed at the filtering allele frequency (the lower threshold of the 95% CI of 17/2536) of 0.43% across several Spanish or Latino populations published in the literature (PMIDs: 12525556, 12112664, 25262649, 26764160, 25261458, 25823529; BS1). Although this allele frequency meets the threshold defined by the ClinGen Hearing Loss Expert Panel for considering strong evidence against pathogenicity for autosomal recessive hearing loss variants, other studies suggest it may still be associated with Usher syndrome, albeit with potentially reduced penetrance. The variant is statistically enriched in cohorts of Usher (2.00% (54/2704) in Usher patients compared to 0.67% (17/2536) as the highest and most ethnically matched published Spanish and Latino control populations; Fisher's exact p value <0.0001) and RP patients (1.87% (109/5828) in RP patients compared to 0.71% in published Spanish and Latino controls; Chi-Square p value <0.0001) (PMIDs: 12525556, 12112664, 25262649, 26764160, 25261458, 25823529, 10909849, 12112664, 14970843, 15325563, 16098008, 17405132, 18273898, 19683999, 22004887, 21738395, 24944099, 25375654, 28041643, 29588463, 21151602, 25097241, 23591405, 25910913, 25649381, 29283788, 22135276, 22334370) (PS4). The association with Usher syndrome is particularly clear when paired with a predicted loss-of-function or other pathogenic variant compared to homozygous individuals who are more at risk to develop non-syndromic RP (PMIDs: 29912909 and 25375654). There may also be evidence of reduced penetrance for both hearing loss and RP as two homozygous individuals were documented to have no evidence of any phenotype through their 6th decade (PMIDs: 16098008, 12525556). The PP4 rule has also been applied to this variant given the combination of hearing loss and RP that is seen in these patients and that most patients were screened for other Usher genes. Lastly, computational prediction tools and conservation analysis suggest that the p.Cys759Phe variant may impact the protein (REVEL: 0.902), and an analysis using the homologous mouse laminin gamma 1 chain concluded that this variant is likely to disrupt disulfide bonding with the cysteine at position 747 (PMID: 10909849) (PP3). In summary, the ClinGen Hearing Loss Expert Panel believes that the evidence for the pathogenicity of this variant for Usher Syndrome outweighs its higher than expected allele frequency in population databases and other general population cohorts. Therefore, the BS1 code will not contribute to the overall classification. In summary, this variant meets criteria to be classified as pathogenic for Usher syndrome (ACMG codes applied: BS1, PS4, PM3_Strong, PP1_Strong, PP4, and PP3). Please note that patients with this variant may present with either Usher syndrome or with isolated RP. Isolated RP presentations are more common when the variant is seen in homozygosity as opposed to combined with a distinct pathogenic USH2A variant.

PreventionGenetics, part of Exact Sciences
Classification: Pathogenic for USH2A-related condition. Last evaluated: 2026-08-04. Review status: criteria provided, single submitter. Criteria: ACMG Guidelines, 2015. Collection method: clinical testing. Allele origin: germline. Not counted in ClinVar's aggregate classification.
Comment: The USH2A c.2276G>T variant is predicted to result in the amino acid substitution p.Cys759Phe. This variant has been reported many times in individuals with autosomal recessive Usher syndrome or non-syndromic retinitis pigmentosa (see for examples Rivolta et al. 2000. PubMed ID: 10775529; Aller et al. 2004. PubMed ID: 14970843; Garcia-Garcia et al. 2011. PubMed ID: 22004887). Several other missense variants occurring within amino acids 761 to 768 of USH2A have been reported as causative for Usher syndrome type 2, suggesting that this protein domain plays an important functional role (Bernal et al. 2003. PubMed ID: 12525556; Glöckle et al. 2014. PubMed ID: 23591405; Piearrche et al. 2016. PubMed ID: 26927203). This variant is reported in 0.20% of alleles in individuals of Latino descent in gnomAD. This variant has been interpreted as pathogenic by the ClinGen Hearing Loss Variant Curation Expert Panel (ClinVar Variation ID: 2356). This variant is interpreted as pathogenic.

CeGaT Center for Human Genetics Tuebingen
Classification: Pathogenic. Last evaluated: 2026-08-01. Review status: criteria provided, single submitter. Criteria: CeGaT Center For Human Genetics Tuebingen Variant Classification Criteria Version 2. Collection method: clinical testing. Allele origin: germline. Affected: yes. Observed: 14 variant alleles. Not counted in ClinVar's aggregate classification.
Comment: USH2A: PM3:Very Strong, PM2:Supporting, PS3:Supporting

Genetics Laboratory, Great Ormond Street Hospital NHS Foundation Trust, North Thames Genomic Laboratory Hub
Classification: Pathogenic for Retinal disorders. Last evaluated: 2026-06-11. Review status: criteria provided, single submitter. Criteria: ACGS Best Practice Guidelines for Variant Classification in Rare Disease 2024 v1.2. Collection method: clinical testing. Allele origin: germline. Affected: yes. Not counted in ClinVar's aggregate classification.
Comment: PP3_supporting, PP1_strong, PM3_very-strong

Genetics Laboratory, Great Ormond Street Hospital NHS Foundation Trust, North Thames Genomic Laboratory Hub
Classification: Pathogenic for Monogenic hearing loss. Last evaluated: 2026-05-26. Review status: criteria provided, single submitter. Criteria: ACGS Best Practice Guidelines for Variant Classification in Rare Disease 2024 v1.2. Collection method: clinical testing. Allele origin: germline. Affected: yes. Not counted in ClinVar's aggregate classification.
Comment: the same text as in the submission from Genetics Laboratory, Great Ormond Street Hospital NHS Foundation Trust, North Thames Genomic Laboratory Hub above.

Laboratory of Molecular, Cellular and Translation Genetics in Otolaryngology/ Lim32-hcfmusp, University of Sao Paulo School of Medicine Clinics Hospital
Classification: Uncertain significance for Prelingual sensorineural hearing impairment. Last evaluated: 2026-04-30. Review status: criteria provided, single submitter. Criteria: ClinGen HL ACMG Specifications v1. Collection method: research. Allele origin: germline. Affected: yes. Not counted in ClinVar's aggregate classification.
Comment: NM_206933.4:c.2276G>T: p.(Cys759Phe). This variant has been classified as a variant of uncertain significance (VUS). It is rare in population databases (PM2_supporting), and in silico prediction tools support a deleterious effect on protein function (PP3). The variant has been previously reported in trans with a likely pathogenic USH2A variant in individuals with hearing loss (PM3_supporting). However, no second pathogenic variant in USH2A was identified. Therefore, the available evidence is insufficient to establish a causal role for this variant in the proband.